The following is an entry in ClinVar:

NM_170665.4(ATP2A2):c.68G>A (p.Gly23Glu)

Gene: ATP2A2 (ATPase sarcoplasmic/endoplasmic reticulum Ca2+ transporting 2; plus strand). Cytogenetic location: 12q24.11.
Variant type: single nucleotide variant.
Coding change: c.68G>A on transcript NM_170665.4 (MANE Select); coding-DNA position 68, G replaced by A.
Protein change: p.Gly23Glu; replaces glycine 23 with glutamic acid.
Molecular consequence: missense variant.
Genome position (GRCh38, 1-based): chr12:110,281,857, G>A. VCF-style: chr12-110281857-G-A. GRCh37 (hg19) VCF-style: chr12-110719662-G-A.
Other names: c.68G>A, p.Gly23Glu (NM_001681.4); short protein forms G23E.
Identifiers: ClinVar variation 17789 (VCV000017789.3), dbSNP rs28929478, ClinGen allele CA127413.

ClinVar aggregate classification (germline): Pathogenic. Review status: criteria provided, single submitter (1 of 4 stars). 2 submissions from 2 submitters: Pathogenic (1). 1 of the submissions does not count toward it. Last evaluated 2015-08-19.

Conditions:
Keratosis follicularis (DAR). Also called: Darier disease; Darier's disease. Identifiers: Orphanet 218, MedGen C0022595, MONDO:0007417, OMIM 124200.

Submissions (2):

GeneDx
Classification: Pathogenic. Last evaluated: 2015-08-19. Review status: criteria provided, single submitter. Criteria: GeneDx Variant Classification (06012015). Collection method: clinical testing. Allele origin: germline. Affected: yes.
Comment: The G23E variant in the ATP2A2 gene has been published previously in several patients with Darier disease (Ikeda et al., 2003; Sakuntabhai 1999; Harboe et al., 2011). It was also not observed in approximately 6,500 individuals of European and African American ancestry in the NHLBI Exome Sequencing Project, indicating it is not a common benign variant in these populations. G23E is a non-conservative amino acid substitution, which is likely to impact secondary protein structure as these residues differ in polarity, charge, size and/or other properties. This substitution occurs at a position that is conserved across species and in-silico analysis predicts this variant is probably damaging to the protein structure/function. In addition, functional studies of the G23E mutation have shown that it results in misfolding of the protein leading to reduced protein expression, and to increased cellular stress and apoptosis in keratinocytes (Wang et al., 2011; Dode et al., 2003). Therefore we interpret G23E in ATP2A2 as a pathogenic variant.

OMIM
Classification: Pathogenic for DARIER DISEASE. Last evaluated: 1999-03-01. Review status: no assertion criteria provided. Collection method: literature only. Allele origin: germline. Not counted in ClinVar's aggregate classification.

Literature cited by the submitters: PubMed 10080178 (cited by OMIM).